The following is an entry in ClinVar:

ClinVar aggregate classification (germline): Uncertain significance. Review status: criteria provided, multiple submitters, no conflicts (2 of 4 stars). 2 submissions from 2 submitters: Uncertain significance (2). Last evaluated 2026-05-21.

Conditions:
Inborn genetic diseases. Identifiers: MedGen C0950123, MeSH D030342.
Ichthyosis and erythrokeratoderma.

gnomAD v4.1: 33 of 1,613,650 alleles (0.002%); highest among the groups gnomAD compares: African/African-American, 0.004%; no homozygotes.

Submissions (2):

Genetics Laboratory, Great Ormond Street Hospital NHS Foundation Trust, North Thames Genomic Laboratory Hub
Classification: Uncertain significance for Ichthyosis and erythrokeratoderma. Last evaluated: 2026-05-21. Review status: criteria provided, single submitter. Criteria: ACGS Best Practice Guidelines for Variant Classification in Rare Disease 2024 v1.2. Collection method: clinical testing. Allele origin: germline. Affected: yes.
Comment: PM2_moderate, PP3_supporting, PM5_moderate

Ambry Genetics
Classification: Uncertain significance for Inborn genetic diseases. Last evaluated: 2024-12-28. Review status: criteria provided, single submitter. Criteria: Ambry Variant Classification Scheme 2023. Collection method: clinical testing. Allele origin: germline.

NM_001378789.1(CERS3):c.823C>T (p.Arg275Cys)

Gene: CERS3 (ceramide synthase 3; minus strand). Cytogenetic location: 15q26.3.
Variant type: single nucleotide variant.
Coding change: c.823C>T on transcript NM_001378789.1 (MANE Select); coding-DNA position 823, C replaced by T.
Protein change: p.Arg275Cys; replaces arginine 275 with cysteine.
Molecular consequence: missense variant.
Genome position (GRCh38, 1-based): chr15:100,469,400, G>A on the plus strand (C>T on the coding strand, the complement: CERS3 is on the minus strand). VCF-style: chr15-100469400-G-A. GRCh37 (hg19) VCF-style: chr15-101009605-G-A.
Other names: c.856C>T, p.Arg286Cys (NM_001290341.2); c.823C>T, p.Arg275Cys (NM_001290342.2, NM_001290343.2, NM_178842.5); short protein forms R286C, R275C.
Identifiers: ClinVar variation 3832164 (VCV003832164.2).